The following is an entry in ClinVar:

NM_001172509.2(SATB2):c.1426G>T (p.Val476Leu)

Gene: SATB2 (SATB homeobox 2; minus strand). Cytogenetic location: 2q33.1.
Variant type: single nucleotide variant.
Coding change: c.1426G>T on transcript NM_001172509.2 (MANE Select); coding-DNA position 1426, G replaced by T.
Protein change: p.Val476Leu; replaces valine 476 with leucine.
Molecular consequence: missense variant.
Genome position (GRCh38, 1-based): chr2:199,323,919, C>A on the plus strand (G>T on the coding strand, the complement: SATB2 is on the minus strand). VCF-style: chr2-199323919-C-A. GRCh37 (hg19) VCF-style: chr2-200188642-C-A.
Other names: c.1426G>T, p.Val476Leu (NM_001172517.1, NM_015265.4); short protein forms V476L.
Identifiers: ClinVar variation 1941146 (VCV001941146.5), dbSNP rs759458466, ClinGen allele CA350385231.

ClinVar aggregate classification (germline): Uncertain significance (1 of 4 stars; one submission).

Conditions:
Chromosome 2q32-q33 deletion syndrome (GLASS). Also called: Glass syndrome; 2q33.1 deletion syndrome. Identifiers: Orphanet 251019, MedGen C2676739, MONDO:0012864, OMIM 612313.

Allele frequency attached by ClinVar (database versions not stated): TOPMed below 0.00001.
gnomAD v4.1: 4 of 1,613,414 alleles (0.00025%); highest among the groups gnomAD compares: Non-Finnish European, 0.00034%; no homozygotes.

Submission:

Labcorp Genetics (formerly Invitae), Labcorp
Classification: Uncertain significance for Chromosome 2q32-q33 deletion syndrome. Last evaluated: 2022-03-17. Review status: criteria provided, single submitter. Criteria: Invitae Variant Classification Sherloc (09022015). Collection method: clinical testing. Allele origin: germline.
Comment: This sequence change replaces valine, which is neutral and non-polar, with leucine, which is neutral and non-polar, at codon 476 of the SATB2 protein (p.Val476Leu). This variant is not present in population databases (gnomAD no frequency). This variant has not been reported in the literature in individuals affected with SATB2-related conditions. Advanced modeling of protein sequence and biophysical properties (such as structural, functional, and spatial information, amino acid conservation, physicochemical variation, residue mobility, and thermodynamic stability) performed at Invitae indicates that this missense variant is not expected to disrupt SATB2 protein function. In summary, the available evidence is currently insufficient to determine the role of this variant in disease. Therefore, it has been classified as a Variant of Uncertain Significance.